The following is an entry in ClinVar:

NM_000455.5(STK11):c.335A>G (p.Gln112Arg)

Gene: STK11 (serine/threonine kinase 11; plus strand). Cytogenetic location: 19p13.3.
Variant type: single nucleotide variant.
Coding change: c.335A>G on transcript NM_000455.5 (MANE Select); coding-DNA position 335, A replaced by G.
Protein change: p.Gln112Arg; replaces glutamine 112 with arginine.
Molecular consequence: missense variant.
Genome position (GRCh38, 1-based): chr19:1,218,461, A>G. VCF-style: chr19-1218461-A-G. GRCh37 (hg19) VCF-style: chr19-1218460-A-G.
Other names: short protein forms Q112R.
Identifiers: ClinVar variation 630932 (VCV000630932.5), dbSNP rs1568703490, ClinGen allele CA402947763.

ClinVar aggregate classification (germline): Uncertain significance (1 of 4 stars; one submission).

Conditions:
Hereditary cancer-predisposing syndrome. Also called: Tumor predisposition; Neoplastic Syndromes, Hereditary; Hereditary neoplastic syndrome; Hereditary Cancer Syndrome. Identifiers: Orphanet 140162, MedGen C0027672, MeSH D009386, MONDO:0015356.

Submission:

Color Diagnostics, LLC DBA Color Health
Classification: Uncertain significance for Hereditary cancer-predisposing syndrome. Last evaluated: 2023-12-05. Review status: criteria provided, single submitter. Criteria: ACMG Guidelines, 2015. Collection method: clinical testing. Allele origin: germline.
Comment: This missense variant replaces glutamine with arginine at codon 112 of the STK11 protein. Computational prediction suggests that this variant may not impact protein structure and function (internally defined REVEL score threshold <= 0.5, PMID: 27666373). To our knowledge, functional studies have not been reported for this variant. This variant has not been reported in individuals affected with STK11-related disorders in the literature. This variant has not been identified in the general population by the Genome Aggregation Database (gnomAD). The available evidence is insufficient to determine the role of this variant in disease conclusively. Therefore, this variant is classified as a Variant of Uncertain Significance.